The following is an entry in ClinVar:

NM_000059.4(BRCA2):c.7580_7582del (p.Val2527del)

Gene: BRCA2 (BRCA2 DNA repair associated; plus strand). Cytogenetic location: 13q13.1.
Variant type: Deletion.
Coding change: c.7580_7582del on transcript NM_000059.4 (MANE Select); coding-DNA positions 7580 to 7582, 3 bases deleted (TAG; older notation c.7580_7582delTAG).
Protein change: p.Val2527del; deletes valine 2527.
Molecular consequence: inframe deletion.
Genome position (GRCh38, 1-based): chr13:32,356,572-32,356,574, TAG deleted; deleting any 3 consecutive bases within chr13:32,356,570-32,356,574 gives the same sequence; the c. name uses the placement nearest the transcript's 3' end. VCF-style (leftmost placement, unchanged base first): chr13-32356569-CAGT-C. GRCh37 (hg19) VCF-style: chr13-32930706-CAGT-C.
Other names: short protein forms V2527del.
Identifiers: ClinVar variation 1408936 (VCV001408936.8), dbSNP rs2137563241, ClinGen allele CA2573149395.

ClinVar aggregate classification (germline): Uncertain significance (1 of 4 stars; one submission).

Conditions:
Hereditary breast ovarian cancer syndrome. Also called: Hereditary breast and ovarian cancer syndrome (HBOC); Breast and ovarian cancer; Hereditary breast and ovarian cancer syndrome; Hereditary breast and/or ovarian cancer syndrome; Hereditary breast and ovarian cancer; BRCA1- and BRCA2-Associated Hereditary Breast and Ovarian Cancer. Identifiers: Orphanet 145, MedGen C0677776, MeSH D061325, MONDO:0003582. Disease mechanism: loss of function.

Submission:

Labcorp Genetics (formerly Invitae), Labcorp
Classification: Uncertain significance for Hereditary breast ovarian cancer syndrome. Last evaluated: 2021-02-14. Review status: criteria provided, single submitter. Criteria: Invitae Variant Classification Sherloc (09022015). Collection method: clinical testing. Allele origin: germline.
Comment: In summary, the available evidence is currently insufficient to determine the role of this variant in disease. Therefore, it has been classified as a Variant of Uncertain Significance. Experimental studies and prediction algorithms are not available or were not evaluated, and the functional significance of this variant is currently unknown. This variant has not been reported in the literature in individuals with BRCA2-related conditions. This variant is not present in population databases (ExAC no frequency). This variant, c.7580_7582del, results in the deletion of 1 amino acid(s) of the BRCA2 protein (p.Val2527del), but otherwise preserves the integrity of the reading frame.